The following is an entry in ClinVar:

NM_012443.4(SPAG6):c.1344A>C (p.Arg448=)

Gene: SPAG6 (sperm associated antigen 6; plus strand). Cytogenetic location: 10p12.2.
Variant type: single nucleotide variant.
Coding change: c.1344A>C on transcript NM_012443.4 (MANE Select); coding-DNA position 1344, A replaced by C.
Protein change: p.Arg448=; no amino-acid change (arginine 448 retained).
Molecular consequence: synonymous variant. On other transcripts: intron variant (1).
Genome position (GRCh38, 1-based): chr10:22,411,060, A>C. VCF-style: chr10-22411060-A-C. GRCh37 (hg19) VCF-style: chr10-22699989-A-C.
Other names: c.1269A>C, p.Arg423= (NM_001253854.2); c.1278A>C, p.Arg426= (NM_001253855.2); c.1315-5559A>C (NM_172242.3).
Identifiers: ClinVar variation 3905886 (VCV003905886.10).

ClinVar aggregate classification (germline): Likely benign (1 of 4 stars; one submission).

Submission:

CeGaT Center for Human Genetics Tuebingen
Classification: Likely benign. Last evaluated: 2025-05-01. Review status: criteria provided, single submitter. Criteria: CeGaT Center For Human Genetics Tuebingen Variant Classification Criteria Version 2. Collection method: clinical testing. Allele origin: germline. Affected: yes. Observed: 1 variant allele.
Comment: SPAG6: PM2:Supporting, BP4, BP7